The following is an entry in ClinVar:

ClinVar aggregate classification (germline): Likely pathogenic. Review status: criteria provided, single submitter (1 of 4 stars). 2 submissions from 2 submitters: Likely pathogenic (1). 1 of the submissions does not count toward it. Last evaluated 2023-05-25.

Conditions:
Congenital titinopathy.
Early-onset myopathy with fatal cardiomyopathy (CMYO5). Also called: Salih Myopathy; CONGENITAL MYOPATHY 5 WITH CARDIOMYOPATHY. Identifiers: Orphanet 289377, MedGen C2673677, MONDO:0012714, OMIM 611705. Disease mechanism: loss of function.

Submissions (2):

GeneDx
Classification: Likely pathogenic. Last evaluated: 2023-05-25. Review status: criteria provided, single submitter. Criteria: GeneDx Variant Classification Process June 2021. Collection method: clinical testing. Allele origin: germline. Affected: yes.
Comment: Reported with c.29963-1G>C on the opposite allele (in trans) in a patient with congenital myopathy in the published literature; the c.92812dup variant was paternally inherited but clinical information on the father was not provided (Jang et al., 2019); Not observed at significant frequency in large population cohorts (gnomAD); Frameshift variant predicted to result in protein truncation or nonsense mediated decay in a gene for which loss of function is a known mechanism of disease; Located in the A-band region of TTN in which the majority of loss of function variants have been associated with autosomal dominant titinopathies (Herman et al., 2012); This variant is associated with the following publications: (PMID: 22335739, 31332964)

Department of Rehabilitation Medicine, Incheon St. Mary’s Hospital, College of Medicine, The Catholic University of Korea
Classification: Pathogenic for Early-onset myopathy with fatal cardiomyopathy; Congenital titinopathy. Last evaluated: 2019-02-11. Review status: no assertion criteria provided. Collection method: research. Allele origin: paternal. Inheritance: Autosomal recessive inheritance. Affected: yes. Observed: 1 compound heterozygote. Not counted in ClinVar's aggregate classification.

NM_001267550.2(TTN):c.92812dup (p.Arg30938fs)

Genes: TTN (titin; minus strand), TTN-AS1 (TTN antisense RNA 1; plus strand). Cytogenetic location: 2q31.2.
Variant type: Duplication.
Coding change: c.92812dup on transcript NM_001267550.2 (MANE Select); coding-DNA position 92812, one base duplicated (A; older notation c.92812dupA).
Protein change: p.Arg30938fs; shifts the reading frame from arginine 30938.
Molecular consequence: frameshift variant.
Genome position (GRCh38, 1-based): chr2:178,548,814, T duplicated on the plus strand (A on the coding strand, the reverse complement: TTN is on the minus strand). VCF-style (leftmost placement, unchanged base first): chr2-178548813-C-CT. GRCh37 (hg19) VCF-style: chr2-179413540-C-CT.
Other names: c.85108dup, p.Arg28370fs (NM_133378.4); c.87889dup, p.Arg29297fs (NM_001256850.1); c.65617dup, p.Arg21873fs (NM_003319.4); c.65992dup, p.Arg21998fs (NM_133432.3); c.66193dup, p.Arg22065fs (NM_133437.4); c.92812dup (NM_001267550.1); short protein forms R21873fs, R22065fs, R28370fs, R30938fs, R29297fs, R21998fs.
Identifiers: ClinVar variation 619011 (VCV000619011.4), dbSNP rs1559173391, ClinGen allele CA913189625.